The following is an entry in ClinVar:

NM_014264.5(PLK4):c.30+5A>G

Genes: PLK4 (polo like kinase 4; plus strand), LOC129993054 (ATAC-STARR-seq lymphoblastoid active region 21887; plus strand). Cytogenetic location: 4q28.1.
Variant type: single nucleotide variant.
Coding change: c.30+5A>G on transcript NM_014264.5 (MANE Select); 5 bases into the intron after coding-DNA position 30, A replaced by G.
Molecular consequence: intron variant.
Genome position (GRCh38, 1-based): chr4:127,881,169, A>G. VCF-style: chr4-127881169-A-G. GRCh37 (hg19) VCF-style: chr4-128802324-A-G.
Other names: c.30+5A>G (NM_001190799.2).
Identifiers: ClinVar variation 1406223 (VCV001406223.6), dbSNP rs760588801, ClinGen allele CA3076450.

ClinVar aggregate classification (germline): Uncertain significance (1 of 4 stars; one submission).

Allele frequency attached by ClinVar (database versions not stated): TOPMed below 0.00001; gnomAD 0.00001; gnomAD exomes 0.00002 and 0.00005; ExAC 0.00007.

Submission:

Labcorp Genetics (formerly Invitae), Labcorp
Classification: Uncertain significance. Last evaluated: 2023-08-04. Review status: criteria provided, single submitter. Criteria: Invitae Variant Classification Sherloc (09022015). Collection method: clinical testing. Allele origin: germline.
Comment: This sequence change falls in intron 1 of the PLK4 gene. It does not directly change the encoded amino acid sequence of the PLK4 protein. It affects a nucleotide within the consensus splice site. This variant is present in population databases (rs760588801, gnomAD 0.04%). This variant has not been reported in the literature in individuals affected with PLK4-related conditions. ClinVar contains an entry for this variant (Variation ID: 1406223). Variants that disrupt the consensus splice site are a relatively common cause of aberrant splicing (PMID: 17576681, 9536098). Algorithms developed to predict the effect of sequence changes on RNA splicing suggest that this variant is not likely to affect RNA splicing. In summary, the available evidence is currently insufficient to determine the role of this variant in disease. Therefore, it has been classified as a Variant of Uncertain Significance.

Literature cited by the submitters: PubMed 17576681; PubMed 9536098.